The following is an entry in ClinVar:

NM_001163435.3(TBCK):c.2569_2571+2del

Gene: TBCK (TBC1 domain containing kinase; minus strand). Cytogenetic location: 4q24.
Variant type: Deletion.
Coding change: c.2569_2571+2del on transcript NM_001163435.3 (MANE Select); coding-DNA position 2569 through the canonical splice donor site of the intron after coding-DNA position 2571, 5 bases deleted (GAGGT; older notation c.2569_2571+2delGAGGT).
Molecular consequence: splice donor variant.
Genome position (GRCh38, 1-based): chr4:106,095,480-106,095,484, ACCTC deleted on the plus strand (GAGGT on the coding strand, the reverse complement: TBCK is on the minus strand); deleting any 5 consecutive bases within chr4:106,095,480-106,095,485 gives the same sequence; the c. name uses the placement nearest the transcript's 3' end. VCF-style (leftmost placement, unchanged base first): chr4-106095479-TACCTC-T. GRCh37 (hg19) VCF-style: chr4-107016636-TACCTC-T.
Other names: c.2569_2571+2del (NM_001163436.4); c.2380_2382+2del (NM_033115.5); c.2452_2454+2del (NM_001163437.3); c.2053_2055+2del (NM_001290768.2).
Identifiers: ClinVar variation 4732972 (VCV004732972.1).

ClinVar aggregate classification (germline): Uncertain significance (1 of 4 stars; one submission).

Submission:

Labcorp Genetics (formerly Invitae), Labcorp
Classification: Uncertain significance. Last evaluated: 2025-12-19. Review status: criteria provided, single submitter. Criteria: Invitae Variant Classification Sherloc (09022015). Collection method: clinical testing. Allele origin: germline.
Comment: This variant results in the deletion of part of exon 25 (c.2569_2571+2del ) of the TBCK gene. While this variant is not anticipated to result in nonsense mediated decay, it likely alters RNA splicing and results in a disrupted protein product. This variant is not present in population databases (gnomAD no frequency). This variant has not been reported in the literature in individuals affected with TBCK-related conditions. Variants that disrupt the consensus splice site are a relatively common cause of aberrant splicing (PMID: 17576681, 9536098). In summary, the available evidence is currently insufficient to determine the role of this variant in disease. Therefore, it has been classified as a Variant of Uncertain Significance.

Literature cited by the submitters: PubMed 17576681; PubMed 9536098.